The following is an entry in ClinVar:

NM_001197104.2(KMT2A):c.9478T>C (p.Ser3160Pro)

Gene: KMT2A (lysine methyltransferase 2A; plus strand). Cytogenetic location: 11q23.3.
Variant type: single nucleotide variant.
Coding change: c.9478T>C on transcript NM_001197104.2 (MANE Select); coding-DNA position 9478, T replaced by C.
Protein change: p.Ser3160Pro; replaces serine 3160 with proline.
Molecular consequence: missense variant.
Genome position (GRCh38, 1-based): chr11:118,505,370, T>C. VCF-style: chr11-118505370-T-C. GRCh37 (hg19) VCF-style: chr11-118376085-T-C.
Other names: c.9469T>C, p.Ser3157Pro (NM_005933.4); short protein forms S3160P, S3157P.
Identifiers: ClinVar variation 516714 (VCV000516714.1), dbSNP rs1555047715, ClinGen allele CA382820655.
Genomic context (GRCh38, chr11:118,505,370, plus strand): 5'-CCAAGCTTGCCAACTTCTCAATCTTTGTTCCCTTCTGCTAGCAAAGGATTGCTACCCATG[T>C]CTCATCACCAGCACTTACATTCCTTCCCTGCAGCTACTCAAAGTAGTTTCCCACCAAACA-3'
Protein context (NP_001184033.1, residues 3150-3170): PSASKGLLPM[Ser3160Pro]HHQHLHSFPA

ClinVar aggregate classification (germline): Likely benign (1 of 4 stars; one submission).

Submission:

GeneDx
Classification: Likely benign. Last evaluated: 2017-03-30. Review status: criteria provided, single submitter. Criteria: GeneDx Variant Classification (06012015). Collection method: clinical testing. Allele origin: germline. Affected: yes.
Comment: This variant is considered likely benign or benign based on one or more of the following criteria: it is a conservative change, it occurs at a poorly conserved position in the protein, it is predicted to be benign by multiple in silico algorithms, and/or has population frequency not consistent with disease.